The following is an entry in ClinVar:

NM_000260.4(MYO7A):c.2797C>T (p.Arg933Cys)

Gene: MYO7A (myosin VIIA; plus strand). Cytogenetic location: 11q13.5.
Variant type: single nucleotide variant.
Coding change: c.2797C>T on transcript NM_000260.4 (MANE Select); coding-DNA position 2797, C replaced by T.
Protein change: p.Arg933Cys; replaces arginine 933 with cysteine.
Molecular consequence: missense variant.
Genome position (GRCh38, 1-based): chr11:77,181,482, C>T. VCF-style: chr11-77181482-C-T. GRCh37 (hg19) VCF-style: chr11-76892528-C-T.
Other names: c.2797C>T, p.Arg933Cys (NM_001127180.2); c.2764C>T, p.Arg922Cys (NM_001369365.1); short protein forms R922C, R933C.
Identifiers: ClinVar variation 1210438 (VCV001210438.5), dbSNP rs782189807, ClinGen allele CA6197935.
Genomic context (GRCh38, chr11:77,181,482, plus strand): 5'-CTGAAGGAGAAGGAGGCCGCTCGGCGGAAGAAGGAGCTCCTGGAGCAGATGGAAAGGGCC[C>T]GCCATGAGCCTGTCAATCACTCAGACATGGTGGACAAGATGTTTGGCTTCCTGGGGACTT-3'
Protein context (NP_000251.3, residues 923-943): KELLEQMERA[Arg933Cys]HEPVNHSDMV

ClinVar aggregate classification (germline): Uncertain significance. Review status: criteria provided, multiple submitters, no conflicts (2 of 4 stars). 3 submissions from 2 submitters: Uncertain significance (3). Last evaluated 2022-04-30.

Conditions:
Usher syndrome type 1 (USH1). Also called: RETINITIS PIGMENTOSA AND CONGENITAL DEAFNESS. Identifiers: Orphanet 231169, Orphanet 886, MedGen C1568247, MONDO:0010168, OMIM 276900.
Autosomal recessive nonsyndromic hearing loss 2. Also called: DEAFNESS, AUTOSOMAL RECESSIVE 2; NEUROSENSORY NONSYNDROMIC RECESSIVE DEAFNESS 2. Identifiers: Orphanet 90636, MedGen C1838701, MONDO:0010807, OMIM 600060.

Allele frequency attached by ClinVar (database versions not stated): gnomAD exomes below 0.00001 and 0.00001; ExAC 0.00001; TOPMed 0.00001.
gnomAD v4.1: 9 of 1,612,984 alleles (0.00056%); highest among the groups gnomAD compares: Admixed American, 0.0017%; no homozygotes.

Submissions (3):

Labcorp Genetics (formerly Invitae), Labcorp
Classification: Uncertain significance. Last evaluated: 2022-04-30. Review status: criteria provided, single submitter. Criteria: Invitae Variant Classification Sherloc (09022015). Collection method: clinical testing. Allele origin: germline.
Comment: This sequence change replaces arginine, which is basic and polar, with cysteine, which is neutral and slightly polar, at codon 933 of the MYO7A protein (p.Arg933Cys). This variant is present in population databases (rs782189807, gnomAD 0.003%). This variant has not been reported in the literature in individuals affected with MYO7A-related conditions. ClinVar contains an entry for this variant (Variation ID: 1210438). Advanced modeling of protein sequence and biophysical properties (such as structural, functional, and spatial information, amino acid conservation, physicochemical variation, residue mobility, and thermodynamic stability) performed at Invitae indicates that this missense variant is not expected to disrupt MYO7A protein function. In summary, the available evidence is currently insufficient to determine the role of this variant in disease. Therefore, it has been classified as a Variant of Uncertain Significance.

Genome-Nilou Lab
Classification: Uncertain significance for Autosomal recessive nonsyndromic hearing loss 2. Last evaluated: 2021-07-22. Review status: criteria provided, single submitter. Criteria: ACMG Guidelines, 2015. Collection method: clinical testing. Allele origin: germline. Affected: no.

Genome-Nilou Lab
Classification: Uncertain significance for Usher syndrome type 1. Last evaluated: 2021-07-22. Review status: criteria provided, single submitter. Criteria: ACMG Guidelines, 2015. Collection method: clinical testing. Allele origin: germline. Affected: no.